The following is an entry in ClinVar:

NM_013266.4(CTNNA3):c.152G>A (p.Arg51His)

Gene: CTNNA3 (catenin alpha 3; minus strand). Cytogenetic location: 10q21.3.
Variant type: single nucleotide variant.
Coding change: c.152G>A on transcript NM_013266.4 (MANE Select); coding-DNA position 152, G replaced by A.
Protein change: p.Arg51His; replaces arginine 51 with histidine.
Molecular consequence: missense variant.
Genome position (GRCh38, 1-based): chr10:67,606,997, C>T on the plus strand (G>A on the coding strand, the complement: CTNNA3 is on the minus strand). VCF-style: chr10-67606997-C-T. GRCh37 (hg19) VCF-style: chr10-69366755-C-T.
Other names: c.152G>A (NM_013266.2); c.152G>A, p.Arg51His (NM_001127384.3); c.188G>A, p.Arg63His (NM_001291133.2); short protein forms R63H, R51H.
Identifiers: ClinVar variation 2803792 (VCV002803792.4), dbSNP rs143725018, ClinGen allele CA5520692.

ClinVar aggregate classification (germline): Uncertain significance. Review status: criteria provided, multiple submitters, no conflicts (2 of 4 stars). 2 submissions from 2 submitters: Uncertain significance (2). Last evaluated 2025-06-18.

Conditions:
Arrhythmogenic right ventricular dysplasia 13. Also called: ARRHYTHMOGENIC RIGHT VENTRICULAR CARDIOMYOPATHY 13; Arrhythmogenic right ventricular dysplasia, familial, 13. Identifiers: MedGen C3810138, MONDO:0000908, OMIM 615616.

Allele frequency attached by ClinVar (database versions not stated): ExAC 0.00001; 1000 Genomes Project 0.00020; 1000 Genomes Project 30x 0.00031; gnomAD 0.00001.
gnomAD v4.1: 9 of 1,614,046 alleles (0.00056%); highest among the groups gnomAD compares: South Asian, 0.0033%; no homozygotes.

Submissions (2):

Labcorp Genetics (formerly Invitae), Labcorp
Classification: Uncertain significance for Arrhythmogenic right ventricular dysplasia 13. Last evaluated: 2025-06-18. Review status: criteria provided, single submitter. Criteria: Invitae Variant Classification Sherloc (09022015). Collection method: clinical testing. Allele origin: germline.
Comment: This sequence change replaces arginine, which is basic and polar, with histidine, which is basic and polar, at codon 51 of the CTNNA3 protein (p.Arg51His). This variant is present in population databases (rs143725018, gnomAD 0.01%). This variant has not been reported in the literature in individuals affected with CTNNA3-related conditions. ClinVar contains an entry for this variant (Variation ID: 2803792). Invitae Evidence Modeling of protein sequence and biophysical properties (such as structural, functional, and spatial information, amino acid conservation, physicochemical variation, residue mobility, and thermodynamic stability) indicates that this missense variant is not expected to disrupt CTNNA3 protein function with a negative predictive value of 80%. In summary, the available evidence is currently insufficient to determine the role of this variant in disease. Therefore, it has been classified as a Variant of Uncertain Significance.

Ambry Genetics
Classification: Uncertain significance. Last evaluated: 2024-02-09. Review status: criteria provided, single submitter. Criteria: Ambry Variant Classification Scheme 2023. Collection method: clinical testing. Allele origin: germline.
Comment: The p.R51H variant (also known as c.152G>A), located in coding exon 2 of the CTNNA3 gene, results from a G to A substitution at nucleotide position 152. The arginine at codon 51 is replaced by histidine, an amino acid with highly similar properties. This amino acid position is conserved. In addition, this alteration is predicted to be tolerated by in silico analysis. Based on the available evidence, the clinical significance of this alteration remains unclear.